The following is an entry in ClinVar:

NM_017654.4(SAMD9):c.3185A>T (p.Glu1062Val)

Gene: SAMD9 (sterile alpha motif domain containing 9; minus strand). Cytogenetic location: 7q21.2.
Variant type: single nucleotide variant.
Coding change: c.3185A>T on transcript NM_017654.4 (MANE Select); coding-DNA position 3185, A replaced by T.
Protein change: p.Glu1062Val; replaces glutamic acid 1062 with valine.
Molecular consequence: missense variant.
Genome position (GRCh38, 1-based): chr7:93,102,913, T>A on the plus strand (A>T on the coding strand, the complement: SAMD9 is on the minus strand). VCF-style: chr7-93102913-T-A. GRCh37 (hg19) VCF-style: chr7-92732226-T-A.
Other names: c.3185A>T, p.Glu1062Val (NM_001193307.2); short protein forms E1062V.
Identifiers: ClinVar variation 4159187 (VCV004159187.1).
Genomic context (GRCh38, chr7:93,102,913, plus strand): 5'-GCATTTGGGTTGAACCGATGGATACTTTCAAGCAATACAGCTTCAACTGCTTCATTTCCT[T>A]CATCTTTATGTAATGCTTCAATAAATGGGGAAAACCAATTTCCTGTTTCACCTTCATGTT-3'
Protein context (NP_060124.2, residues 1052-1072): SPFIEALHKD[Glu1062Val]GNEAVEAVLL

ClinVar aggregate classification (germline): Uncertain significance (1 of 4 stars; one submission).

Conditions:
Inborn genetic diseases. Identifiers: MedGen C0950123, MeSH D030342.

Submission:

Ambry Genetics
Classification: Uncertain significance for Inborn genetic diseases. Last evaluated: 2025-08-25. Review status: criteria provided, single submitter. Criteria: Ambry Variant Classification Scheme 2023. Collection method: clinical testing. Allele origin: germline.
Comment: The p.E1062V variant (also known as c.3185A>T), located in coding exon 1 of the SAMD9 gene, results from an A to T substitution at nucleotide position 3185. The glutamic acid at codon 1062 is replaced by valine, an amino acid with dissimilar properties. This amino acid position is conserved. In addition, this alteration is predicted to be tolerated by in silico analysis. Based on the available evidence, the clinical significance of this variant remains unclear.